The following is an entry in ClinVar:

ClinVar aggregate classification (germline): Uncertain significance (1 of 4 stars; one submission).

Conditions:
Loeys-Dietz syndrome 4 (LDS4). Also called: ANEURYSM, AORTIC AND CEREBRAL, WITH ARTERIAL TORTUOSITY AND SKELETAL MANIFESTATIONS; TGFB2-Related Loeys-Dietz Syndrome. Identifiers: MedGen C3553762, MONDO:0013897, OMIM 614816.

Submission:

Labcorp Genetics (formerly Invitae), Labcorp
Classification: Uncertain significance for Loeys-Dietz syndrome 4. Last evaluated: 2024-07-17. Review status: criteria provided, single submitter. Criteria: Invitae Variant Classification Sherloc (09022015). Collection method: clinical testing. Allele origin: germline.
Comment: This sequence change replaces alanine, which is neutral and non-polar, with valine, which is neutral and non-polar, at codon 87 of the TGFB2 protein (p.Ala87Val). This variant is not present in population databases (gnomAD no frequency). This variant has not been reported in the literature in individuals affected with TGFB2-related conditions. Advanced modeling of protein sequence and biophysical properties (such as structural, functional, and spatial information, amino acid conservation, physicochemical variation, residue mobility, and thermodynamic stability) performed at Invitae indicates that this missense variant is not expected to disrupt TGFB2 protein function with a negative predictive value of 95%. In summary, the available evidence is currently insufficient to determine the role of this variant in disease. Therefore, it has been classified as a Variant of Uncertain Significance.

NM_003238.6(TGFB2):c.260C>T (p.Ala87Val)

Gene: TGFB2 (transforming growth factor beta 2; plus strand). Cytogenetic location: 1q41.
Variant type: single nucleotide variant.
Coding change: c.260C>T on transcript NM_003238.6 (MANE Select); coding-DNA position 260, C replaced by T.
Protein change: p.Ala87Val; replaces alanine 87 with valine.
Molecular consequence: missense variant. On other transcripts: non-coding transcript variant (2).
Genome position (GRCh38, 1-based): chr1:218,346,961, C>T. VCF-style: chr1-218346961-C-T. GRCh37 (hg19) VCF-style: chr1-218520303-C-T.
Other names: c.260C>T, p.Ala87Val (NM_001135599.4); short protein forms A87V.
Identifiers: ClinVar variation 3713386 (VCV003713386.2).
Genomic context (GRCh38, chr1:218,346,961, plus strand): 5'-TGATTTCCATCTACAACAGCACCAGGGACTTGCTCCAGGAGAAGGCGAGCCGGAGGGCGG[C>T]CGCCTGCGAGCGCGAGAGGAGCGACGAAGAGTACTACGCCAAGGAGGTTTACAAAATAGA-3'
Protein context (NP_003229.1, residues 77-97): LLQEKASRRA[Ala87Val]ACERERSDEE